The following is an entry in ClinVar:

NM_001079802.2(FKTN):c.647+4A>G

Gene: FKTN (fukutin; plus strand). Cytogenetic location: 9q31.2.
Variant type: single nucleotide variant.
Coding change: c.647+4A>G on transcript NM_001079802.2 (MANE Select); 4 bases into the intron after coding-DNA position 647, A replaced by G.
Molecular consequence: intron variant.
Genome position (GRCh38, 1-based): chr9:105,604,496, A>G. VCF-style: chr9-105604496-A-G. GRCh37 (hg19) VCF-style: chr9-108366777-A-G.
Other names: c.647+4A>G (NM_006731.2, NM_001351496.2, NM_001198963.2 and 1 more transcripts); c.251+4A>G (NM_001351502.2, NM_001351499.2, NM_001351500.2 and 1 more transcripts); c.578+4A>G (NM_001351497.2).
Identifiers: ClinVar variation 1022731 (VCV001022731.8), dbSNP rs1828505595, ClinGen allele CA1127710047.

ClinVar aggregate classification (germline): Uncertain significance. Review status: criteria provided, single submitter (1 of 4 stars). 2 submissions from 2 submitters: Uncertain significance (1). 1 of the submissions does not count toward it. Last evaluated 2022-02-04.

Conditions:
Walker-Warburg congenital muscular dystrophy. Also called: Muscular dystrophy-dystroglycanopathy, type A; Walker-Warburg syndrome. Identifiers: Orphanet 899, MedGen C0265221, MONDO:0000171.

Allele frequency attached by ClinVar (database versions not stated): gnomAD exomes below 0.00001; gnomAD 0.00001; TOPMed 0.00001.

Submissions (2):

Labcorp Genetics (formerly Invitae), Labcorp
Classification: Uncertain significance for Walker-Warburg congenital muscular dystrophy. Last evaluated: 2022-02-04. Review status: criteria provided, single submitter. Criteria: Invitae Variant Classification Sherloc (09022015). Collection method: clinical testing. Allele origin: germline.
Comment: This sequence change falls in intron 6 of the FKTN gene. It does not directly change the encoded amino acid sequence of the FKTN protein. It affects a nucleotide within the consensus splice site. This variant is not present in population databases (gnomAD no frequency). This variant has not been reported in the literature in individuals affected with FKTN-related conditions. ClinVar contains an entry for this variant (Variation ID: 1022731). Variants that disrupt the consensus splice site are a relatively common cause of aberrant splicing (PMID: 17576681, 9536098). Algorithms developed to predict the effect of sequence changes on RNA splicing suggest that this variant is not likely to affect RNA splicing. In summary, the available evidence is currently insufficient to determine the role of this variant in disease. Therefore, it has been classified as a Variant of Uncertain Significance.

Natera, Inc.
Classification: Uncertain significance for Walker-Warburg congenital muscular dystrophy. Last evaluated: 2020-04-25. Review status: no assertion criteria provided. Collection method: clinical testing. Allele origin: germline. Not counted in ClinVar's aggregate classification.

Literature cited by the submitters: PubMed 17576681 (cited by Labcorp Genetics (formerly Invitae), Labcorp); PubMed 9536098 (cited by Labcorp Genetics (formerly Invitae), Labcorp).